The following is an entry in ClinVar:

NM_007255.3(B4GALT7):c.179_413+354del

Gene: B4GALT7 (beta-1,4-galactosyltransferase 7; plus strand). Cytogenetic location: 5q35.3.
Variant type: Deletion.
Coding change: c.179_413+354del on transcript NM_007255.3 (MANE Select); coding-DNA position 179 through 354 bases into the intron after coding-DNA position 413, 589 bases deleted.
Molecular consequence: splice donor variant.
Genome position (GRCh38, 1-based): chr5:177,604,307-177,604,895, 589 bases deleted. GRCh37 (hg19): chr5:177,031,308-177,031,896.
Identifiers: ClinVar variation 2129648 (VCV002129648.3), dbSNP rs2532526425, ClinGen allele CA2580074078.

ClinVar aggregate classification (germline): Likely pathogenic (1 of 4 stars; one submission).

Conditions:
Spondylodysplastic Ehlers-Danlos syndrome. Identifiers: Orphanet 536471, Orphanet 75496, MedGen C5680154, MONDO:0007526.

Submission:

Labcorp Genetics (formerly Invitae), Labcorp
Classification: Likely pathogenic for Spondylodysplastic Ehlers-Danlos syndrome. Last evaluated: 2025-09-15. Review status: criteria provided, single submitter. Criteria: Invitae Variant Classification Sherloc (09022015). Collection method: clinical testing. Allele origin: germline.
Comment: This variant results in the deletion of part of exon 2 (c.179_413+354del) of the B4GALT7 gene. It is expected to disrupt RNA splicing. Variants that disrupt the donor or acceptor splice site typically lead to a loss of protein function (PMID: 16199547), and loss-of-function variants in B4GALT7 are known to be pathogenic (PMID: 26940150, 31614862, 38431799). This variant is not present in population databases (gnomAD no frequency). This variant has not been reported in the literature in individuals affected with B4GALT7-related conditions. ClinVar contains an entry for this variant (Variation ID: 2129648). This variant disrupts a region of the B4GALT7 protein in which other variant(s) (p.Gln133Arg) have been observed in individuals with B4GALT7-related conditions (PMID: 31278392). This suggests that this is a clinically significant region of the protein, and that variants that disrupt it are likely to be disease-causing. In summary, the currently available evidence indicates that the variant is pathogenic, but additional data are needed to prove that conclusively. Therefore, this variant has been classified as Likely Pathogenic.

Literature cited by the submitters: PubMed 16199547; PubMed 26940150; PubMed 31614862; PubMed 38431799; PubMed 31278392.